The following is an entry in ClinVar:

ClinVar aggregate classification (germline): Conflicting classifications of pathogenicity. Review status: criteria provided, conflicting classifications (1 of 4 stars). 4 submissions from 4 submitters: Uncertain significance (1); Likely benign (3). Last evaluated 2026-07-30.

Conditions:
AHCY-related disorder. Also called: AHCY-related condition.
Hypermethioninemia with deficiency of S-adenosylhomocysteine hydrolase. Identifiers: Orphanet 88618, MedGen C3151058, MONDO:0013404, OMIM 613752.

Allele frequency attached by ClinVar (database versions not stated): 1000 Genomes Project 30x 0.00016; 1000 Genomes Project 0.00020; gnomAD exomes 0.00042 and 0.00049; TOPMed 0.00046; gnomAD 0.00048 and 0.00050; ExAC 0.00049; ESP Exome Variant Server 0.00054.
gnomAD v4.1: 794 of 1,613,860 alleles (0.049%); highest among the groups gnomAD compares: Non-Finnish European, 0.062%; 2 homozygotes.

Submissions (4):

PreventionGenetics, part of Exact Sciences
Classification: Likely benign for AHCY-related condition. Last evaluated: 2026-07-30. Review status: criteria provided, single submitter. Criteria: ACMG Guidelines, 2015. Collection method: clinical testing. Allele origin: germline.
Comment: This variant is classified as likely benign based on ACMG/AMP sequence variant interpretation guidelines (Richards et al. 2015 PMID: 25741868, with internal and published modifications).

Labcorp Genetics (formerly Invitae), Labcorp
Classification: Likely benign for Hypermethioninemia with deficiency of S-adenosylhomocysteine hydrolase. Last evaluated: 2026-02-01. Review status: criteria provided, single submitter. Criteria: Invitae Variant Classification Sherloc (09022015). Collection method: clinical testing. Allele origin: germline.

Blueprint Genetics
Classification: Likely benign. Last evaluated: 2024-11-04. Review status: criteria provided, single submitter. Criteria: ACMG Guidelines, 2015. Collection method: clinical testing. Allele origin: germline.

Illumina Laboratory Services, Illumina
Classification: Uncertain significance for Hypermethioninemia with deficiency of S-adenosylhomocysteine hydrolase. Last evaluated: 2017-04-27. Review status: criteria provided, single submitter. Criteria: ICSL Variant Classification Criteria 13 December 2019. Collection method: clinical testing. Allele origin: germline.

NM_000687.4(AHCY):c.390C>T (p.Asp130=)

Gene: AHCY (adenosylhomocysteinase; minus strand). Cytogenetic location: 20q11.22.
Variant type: single nucleotide variant.
Coding change: c.390C>T on transcript NM_000687.4 (MANE Select); coding-DNA position 390, C replaced by T.
Protein change: p.Asp130=; no amino-acid change (aspartic acid 130 retained).
Molecular consequence: synonymous variant.
Genome position (GRCh38, 1-based): chr20:34,292,413, G>A on the plus strand (C>T on the coding strand, the complement: AHCY is on the minus strand). VCF-style: chr20-34292413-G-A. GRCh37 (hg19) VCF-style: chr20-32880219-G-A.
Other names: c.306C>T, p.Asp102= (NM_001161766.2, NM_001322084.2, NM_001322085.2); c.396C>T, p.Asp132= (NM_001322086.2); c.390C>T, p.Asp130= (NM_001362750.2).
Identifiers: ClinVar variation 788172 (VCV000788172.16), dbSNP rs143931269, ClinGen allele CA9821023.